The following is an entry in ClinVar:

NM_001134665.3(TRMT10A):c.305G>A (p.Arg102His)

Gene: TRMT10A (tRNA methyltransferase 10A; minus strand). Cytogenetic location: 4q23.
Variant type: single nucleotide variant.
Coding change: c.305G>A on transcript NM_001134665.3 (MANE Select); coding-DNA position 305, G replaced by A.
Protein change: p.Arg102His; replaces arginine 102 with histidine.
Molecular consequence: missense variant.
Genome position (GRCh38, 1-based): chr4:99,558,092, C>T on the plus strand (G>A on the coding strand, the complement: TRMT10A is on the minus strand). VCF-style: chr4-99558092-C-T. GRCh37 (hg19) VCF-style: chr4-100479249-C-T.
Other names: c.305G>A, p.Arg102His (NM_001134666.3, NM_001375880.1, NM_001375881.1 and 2 more transcripts); short protein forms R102H.
Identifiers: ClinVar variation 1447428 (VCV001447428.6), dbSNP rs200262045, ClinGen allele CA3021580.

ClinVar aggregate classification (germline): Uncertain significance (1 of 4 stars; one submission).

Allele frequency attached by ClinVar (database versions not stated): gnomAD exomes 0.00002; ExAC 0.00003; TOPMed 0.00003; gnomAD 0.00005 and 0.00006; ESP Exome Variant Server 0.00008.
gnomAD v4.1: 44 of 1,610,744 alleles (0.0027%); highest among the groups gnomAD compares: Middle Eastern, 0.016%; no homozygotes.

Submission:

Labcorp Genetics (formerly Invitae), Labcorp
Classification: Uncertain significance. Last evaluated: 2022-01-18. Review status: criteria provided, single submitter. Criteria: Invitae Variant Classification Sherloc (09022015). Collection method: clinical testing. Allele origin: germline.
Comment: Algorithms developed to predict the effect of missense changes on protein structure and function are either unavailable or do not agree on the potential impact of this missense change (SIFT: "Deleterious"; PolyPhen-2: "Possibly Damaging"; Align-GVGD: "Class C0"). In summary, the available evidence is currently insufficient to determine the role of this variant in disease. Therefore, it has been classified as a Variant of Uncertain Significance. This sequence change replaces arginine, which is basic and polar, with histidine, which is basic and polar, at codon 102 of the TRMT10A protein (p.Arg102His). The frequency data for this variant in the population databases is considered unreliable, as metrics indicate poor data quality at this position in the gnomAD database. This variant has not been reported in the literature in individuals affected with TRMT10A-related conditions.